The following is an entry in ClinVar:

NM_032043.3(BRIP1):c.1628+1del

Gene: BRIP1 (BRCA1 interacting DNA helicase 1; minus strand). Cytogenetic location: 17q23.2.
Variant type: Deletion.
Coding change: c.1628+1del on transcript NM_032043.3 (MANE Select); the canonical splice donor site of the intron after coding-DNA position 1628, one base deleted (G; older notation c.1628+1delG).
Molecular consequence: splice donor variant.
Genome position (GRCh38, 1-based): chr17:61,784,269, C deleted on the plus strand (G on the coding strand, the reverse complement: BRIP1 is on the minus strand); the first of 2 consecutive C bases (chr17:61,784,269-61,784,270); deleting either gives the same sequence. VCF-style (leftmost placement, unchanged base first): chr17-61784268-AC-A. GRCh37 (hg19) VCF-style: chr17-59861629-AC-A.
Identifiers: ClinVar variation 5033438 (VCV005033438.1).

ClinVar aggregate classification (germline): Likely pathogenic (1 of 4 stars; one submission).

Conditions:
Hereditary cancer-predisposing syndrome. Also called: Neoplastic Syndromes, Hereditary; Tumor predisposition; Hereditary neoplastic syndrome; Hereditary Cancer Syndrome. Identifiers: Orphanet 140162, MedGen C0027672, MeSH D009386, MONDO:0015356.

Submission:

Ambry Genetics
Classification: Likely pathogenic for Hereditary cancer-predisposing syndrome. Last evaluated: 2026-07-24. Review status: criteria provided, single submitter. Criteria: Ambry Variant Classification Scheme 2023. Collection method: clinical testing. Allele origin: germline.
Comment: The c.1628+1delG intronic variant, located in intron 10 of the BRIP1 gene, results from a deletion of one nucleotide within intron 10 of the BRIP1 gene. This variant is considered to be rare based on population cohorts in the Genome Aggregation Database (gnomAD). This nucleotide position is highly conserved in available vertebrate species. In silico splice site analysis predicts that this alteration will weaken the native splice donor site. Variants that disrupt the canonical splice site are expected to cause aberrant splicing, resulting in an abnormal protein or a transcript that is subject to nonsense-mediated mRNA decay. As such, this variant is classified as likely pathogenic.